The following is an entry in ClinVar:

NM_002107.7(H3-3A):c.388C>T (p.Arg130Cys)

Gene: H3-3A (H3.3 histone A; plus strand). Cytogenetic location: 1q42.12.
Variant type: single nucleotide variant.
Coding change: c.388C>T on transcript NM_002107.7 (MANE Select); coding-DNA position 388, C replaced by T.
Protein change: p.Arg130Cys; replaces arginine 130 with cysteine.
Molecular consequence: missense variant.
Genome position (GRCh38, 1-based): chr1:226,071,456, C>T. VCF-style: chr1-226071456-C-T. GRCh37 (hg19) VCF-style: chr1-226259157-C-T.
Other names: c.388C>T, p.Arg130Cys (NM_001379043.1, NM_001379045.1, NM_001379046.1 and 1 more transcripts); short protein forms R130C.
Identifiers: ClinVar variation 3381184 (VCV003381184.2).

ClinVar aggregate classification (germline): Uncertain significance. Review status: criteria provided, multiple submitters, no conflicts (2 of 4 stars). 2 submissions from 2 submitters: Uncertain significance (2). Last evaluated 2024-11-11.

Conditions:
Bryant-Li-Bhoj neurodevelopmental syndrome 1 (BRYLIB1). Identifiers: MedGen C5676905, MONDO:0030606, OMIM 619720.

Submissions (2):

Institute of Human Genetics, Clinical Exome/Genome Diagnostics Group, University Hospital Bonn
Classification: Uncertain significance for Bryant-Li-Bhoj neurodevelopmental syndrome 1. Last evaluated: 2024-11-11. Review status: criteria provided, single submitter. Criteria: ACMG Guidelines, 2015. Collection method: clinical testing. Allele origin: germline.

Clinical Genomics Laboratory, Washington University in St. Louis
Classification: Uncertain significance for Bryant-Li-Bhoj neurodevelopmental syndrome 1. Last evaluated: 2024-10-25. Review status: criteria provided, single submitter. Criteria: ACMG Guidelines, 2015. Collection method: clinical testing. Allele origin: germline.
Comment: The H3F3A c.388C>T (p.Arg130Cys) variant, to our knowledge, has not been reported in the medical literature. This variant is absent from the general population (gnomAD v.2.1.1), indicating it is not a common variant. Computational predictors are uncertain as to the impact of this variant on H3F3A function. Due to limited information, and based on ACMG/AMP guidelines for variant interpretation (Richards S et al., PMID: 25741868), the clinical significance of this variant is uncertain at this time.